The following is an entry in ClinVar:

NM_022841.7(RFX7):c.1046C>T (p.Pro349Leu)

Gene: RFX7 (regulatory factor X7; minus strand). Cytogenetic location: 15q21.3.
Variant type: single nucleotide variant.
Coding change: c.1046C>T on transcript NM_022841.7 (MANE Select); coding-DNA position 1046, C replaced by T.
Protein change: p.Pro349Leu; replaces proline 349 with leucine.
Molecular consequence: missense variant.
Genome position (GRCh38, 1-based): chr15:56,098,142, G>A on the plus strand (C>T on the coding strand, the complement: RFX7 is on the minus strand). VCF-style: chr15-56098142-G-A. GRCh37 (hg19) VCF-style: chr15-56390340-G-A.
Other names: c.755C>T, p.Pro252Leu (NM_001368073.2, NM_001368074.1, NM_001370554.1); c.1046C>T, p.Pro349Leu (NM_001370561.1); short protein forms P252L, P349L.
Identifiers: ClinVar variation 3781220 (VCV003781220.1).

ClinVar aggregate classification (germline): Uncertain significance (1 of 4 stars; one submission).

Submission:

GeneDx
Classification: Uncertain significance. Last evaluated: 2024-10-15. Review status: criteria provided, single submitter. Criteria: GeneDx Variant Classification Process June 2021. Collection method: clinical testing. Allele origin: germline. Affected: yes.
Comment: Not observed at significant frequency in large population cohorts (gnomAD); In silico analysis supports that this missense variant has a deleterious effect on protein structure/function; Has not been previously published as pathogenic or benign to our knowledge